The following is an entry in ClinVar:

NM_000298.6(PKLR):c.1075C>T (p.Arg359Cys)

Gene: PKLR (pyruvate kinase L/R; minus strand). Cytogenetic location: 1q22.
Variant type: single nucleotide variant.
Coding change: c.1075C>T on transcript NM_000298.6 (MANE Select); coding-DNA position 1075, C replaced by T.
Protein change: p.Arg359Cys; replaces arginine 359 with cysteine.
Molecular consequence: missense variant.
Genome position (GRCh38, 1-based): chr1:155,294,276, G>A on the plus strand (C>T on the coding strand, the complement: PKLR is on the minus strand). VCF-style: chr1-155294276-G-A. GRCh37 (hg19) VCF-style: chr1-155264067-G-A.
Other names: p.Arg359Cys; c.1075C>T (NM_000298.5); c.982C>T, p.Arg328Cys (NM_181871.4); short protein forms R328C, R359C.
Identifiers: ClinVar variation 811313 (VCV000811313.14), dbSNP rs138871700, ClinGen allele CA1144125.

ClinVar aggregate classification (germline): Conflicting classifications of pathogenicity. Review status: criteria provided, conflicting classifications (1 of 4 stars). 5 submissions from 5 submitters: Pathogenic (1); Likely pathogenic (3); Uncertain significance (1). Last evaluated 2025-10-07.

Conditions:
PKLR-related disorder. Also called: PKLR-related condition.

Allele frequency attached by ClinVar (database versions not stated): ExAC 0.00003; gnomAD exomes 0.00003; gnomAD 0.00004; TOPMed 0.00006; ESP Exome Variant Server 0.00023.
gnomAD v4.1: 43 of 1,613,962 alleles (0.0027%); highest among the groups gnomAD compares: African/African-American, 0.0053%; no homozygotes.

Submissions (5):

Mayo Clinic Laboratories, Mayo Clinic
Classification: Likely pathogenic. Last evaluated: 2025-10-07. Review status: criteria provided, single submitter. Criteria: ACMG Guidelines, 2015. Collection method: clinical testing. Allele origin: germline. Observed: 1 variant allele.
Comment: PP3_moderate, PM2_supporting, PM3, PM5

PreventionGenetics, part of Exact Sciences
Classification: Likely pathogenic for PKLR-related condition. Last evaluated: 2025-03-13. Review status: criteria provided, single submitter. Criteria: ACMG Guidelines, 2015. Collection method: clinical testing. Allele origin: germline.
Comment: The PKLR c.1075C>T variant is predicted to result in the amino acid substitution p.Arg359Cys. This variant has been reported, in the homozygous state or with a PKLR loss-of-function variant, in at least two individuals with clinical and biochemical features of pyruvate kinase deficiency (Miwa et al. 1996. PubMed ID: 8579052; Kanno et al. 1997. PubMed ID: 9166866; Table S3, Bianchi et al. 2020. PubMed ID: 32043619). This variant is reported in 0.0044% of alleles in individuals of European (non-Finnish) descent in gnomAD. Alternate missense substitutions affecting the same amino acid (p.Arg359His and p.Arg359Pro) have been reported in multiple individuals with pyruvate kinase deficiency (Baronciani et al. 1993. PubMed ID: 8483951; Akiyoshi et al. 2016. PubMed ID: 27460399; Bianchi et al. 2020. PubMed ID: 32043619). The c.1075C>T (p.Arg359Cys) variant is interpreted as likely pathogenic.

Revvity Omics, Revvity
Classification: Likely pathogenic. Last evaluated: 2024-12-23. Review status: criteria provided, single submitter. Criteria: ACMG Guidelines, 2015. Collection method: clinical testing. Allele origin: germline.

Labcorp Genetics (formerly Invitae), Labcorp
Classification: Uncertain significance. Last evaluated: 2022-04-09. Review status: criteria provided, single submitter. Criteria: Invitae Variant Classification Sherloc (09022015). Collection method: clinical testing. Allele origin: germline.
Comment: This sequence change replaces arginine, which is basic and polar, with cysteine, which is neutral and slightly polar, at codon 359 of the PKLR protein (p.Arg359Cys). This variant is present in population databases (rs138871700, gnomAD 0.004%). This missense change has been observed in individual(s) with pyruvate kinase deficiency (PMID: 8483951, 9166866, 32043619). ClinVar contains an entry for this variant (Variation ID: 811313). Algorithms developed to predict the effect of missense changes on protein structure and function (SIFT, PolyPhen-2, Align-GVGD) all suggest that this variant is likely to be disruptive. This variant disrupts the p.Arg359 amino acid residue in PKLR. Other variant(s) that disrupt this residue have been observed in individuals with PKLR-related conditions (PMID: 27460399), which suggests that this may be a clinically significant amino acid residue. In summary, the available evidence is currently insufficient to determine the role of this variant in disease. Therefore, it has been classified as a Variant of Uncertain Significance.

ARUP Laboratories, Molecular Genetics and Genomics, ARUP Laboratories
Classification: Pathogenic. Last evaluated: 2019-02-22. Review status: criteria provided, single submitter. Criteria: ARUP Molecular Germline Variant Investigation Process. Collection method: clinical testing. Allele origin: germline.

Literature cited by the submitters: PubMed 27871768 (cited by Mayo Clinic Laboratories, Mayo Clinic); PubMed 32043619 (cited by Mayo Clinic Laboratories, Mayo Clinic and Labcorp Genetics (formerly Invitae), Labcorp); PubMed 35351432 (cited by Mayo Clinic Laboratories, Mayo Clinic); PubMed 8579052 (cited by Mayo Clinic Laboratories, Mayo Clinic); PubMed 9166866 (cited by Mayo Clinic Laboratories, Mayo Clinic and Labcorp Genetics (formerly Invitae), Labcorp); PubMed 8483951 (cited by Labcorp Genetics (formerly Invitae), Labcorp); PubMed 27460399 (cited by Labcorp Genetics (formerly Invitae), Labcorp).